The following is an entry in ClinVar:

NM_001113378.2(FANCI):c.504-2A>G

Gene: FANCI (FA complementation group I; plus strand). Cytogenetic location: 15q26.1.
Variant type: single nucleotide variant.
Coding change: c.504-2A>G on transcript NM_001113378.2 (MANE Select); the canonical splice acceptor site of the intron before coding-DNA position 504, A replaced by G.
Molecular consequence: splice acceptor variant.
Genome position (GRCh38, 1-based): chr15:89,263,417, A>G. VCF-style: chr15-89263417-A-G. GRCh37 (hg19) VCF-style: chr15-89806648-A-G.
Other names: c.504-2A>G (NM_018193.3, NM_001376911.1); c.225-2A>G (NM_001376910.1).
Identifiers: ClinVar variation 2036882 (VCV002036882.4), dbSNP rs2505951722, ClinGen allele CA393738682.

ClinVar aggregate classification (germline): Likely pathogenic (1 of 4 stars; one submission).

Conditions:
Fanconi anemia (FA). Also called: Fanconi's anemia. Identifiers: Orphanet 84, MedGen C0015625, MeSH D005199, MONDO:0019391.

Allele frequency attached by ClinVar (database versions not stated): gnomAD exomes below 0.00001.
gnomAD v4.1: 1 of 1,612,098 alleles (0.000062%); highest among the groups gnomAD compares: Non-Finnish European, 0.000085%; no homozygotes.

Submission:

Labcorp Genetics (formerly Invitae), Labcorp
Classification: Likely pathogenic for Fanconi anemia. Last evaluated: 2022-10-26. Review status: criteria provided, single submitter. Criteria: Invitae Variant Classification Sherloc (09022015). Collection method: clinical testing. Allele origin: germline.
Comment: This variant has not been reported in the literature in individuals affected with FANCI-related conditions. In summary, the currently available evidence indicates that the variant is pathogenic, but additional data are needed to prove that conclusively. Therefore, this variant has been classified as Likely Pathogenic. Algorithms developed to predict the effect of sequence changes on RNA splicing suggest that this variant may disrupt the consensus splice site. This variant is not present in population databases (gnomAD no frequency). This sequence change affects an acceptor splice site in intron 6 of the FANCI gene. It is expected to disrupt RNA splicing. Variants that disrupt the donor or acceptor splice site typically lead to a loss of protein function (PMID: 16199547), and loss-of-function variants in FANCI are known to be pathogenic (PMID: 17452773, 17460694).

Literature cited by the submitters: PubMed 16199547; PubMed 17452773; PubMed 17460694.